The following is an entry in ClinVar:

NM_015374.3(SUN2):c.1110AGA[1] (p.Glu371del)

Genes: GTPBP1 (GTP binding protein 1; plus strand), SUN2 (Sad1 and UNC84 domain containing 2; minus strand). Cytogenetic location: 22q13.1.
Variant type: Microsatellite.
Coding change: c.1110AGA[1] on transcript NM_015374.3 (MANE Select); one copy of the 3-base unit AGA starting at c.1110; the reference has two copies in a row; one copy, 3 bases deleted.
Protein change: p.Glu371del; deletes glutamic acid 371.
Molecular consequence: inframe deletion. On other transcripts: intron variant (3).
Genome position (GRCh38, 1-based): chr22:38,741,525-38,741,527, TCT deleted on the plus strand (AGA on the coding strand, the reverse complement: SUN2 is on the minus strand); deleting any 3 consecutive bases within chr22:38,741,525-38,741,530 gives the same sequence; the position shown is the placement nearest the transcript's 3' end. VCF-style (leftmost placement, unchanged base first): chr22-38741524-GTCT-G. GRCh37 (hg19) VCF-style: chr22-39137529-GTCT-G.
Other names: c.1173AGA[1], p.Glu392del (NM_001199579.2, NM_001394428.1); c.1110AGA[1], p.Glu371del (NM_001199580.2, NM_001394431.1, NM_001394432.1 and 5 more transcripts); c.1203AGA[1], p.Glu402del (NM_001394427.1); c.1155AGA[1], p.Glu386del (NM_001394429.1, NM_001394430.1); c.1020AGA[1], p.Glu341del (NM_001394438.1); c.972AGA[1], p.Glu325del (NM_001394439.1, NM_001394440.1, NM_001394441.1); c.618AGA[1], p.Glu207del (NM_001394443.1); c.615-1095_615-1093del (NM_001394444.1, NM_001394445.1); and 1 more; short protein forms E371del, E325del, E386del, E392del, E402del, E207del, E341del.
Identifiers: ClinVar variation 1379605 (VCV001379605.8), dbSNP rs1448167208, ClinGen allele CA753062866.

ClinVar aggregate classification (germline): Uncertain significance (1 of 4 stars; one submission).

Conditions:
Emery-Dreifuss muscular dystrophy (EDMD). Also called: Scapuloperoneal syndrome, X-linked (formerly); Humeroperoneal neuromuscular disease, (formerly). Identifiers: Orphanet 261, MedGen C0410189, MONDO:0016830.

Submission:

Labcorp Genetics (formerly Invitae), Labcorp
Classification: Uncertain significance for Emery-Dreifuss muscular dystrophy. Last evaluated: 2022-07-05. Review status: criteria provided, single submitter. Criteria: Invitae Variant Classification Sherloc (09022015). Collection method: clinical testing. Allele origin: germline.
Comment: In summary, the available evidence is currently insufficient to determine the role of this variant in disease. Therefore, it has been classified as a Variant of Uncertain Significance. Experimental studies and prediction algorithms are not available or were not evaluated, and the functional significance of this variant is currently unknown. This variant has not been reported in the literature in individuals affected with SUN2-related conditions. This variant is not present in population databases (gnomAD no frequency). This variant, c.1113_1115del, results in the deletion of 1 amino acid(s) of the SUN2 protein (p.Glu371del), but otherwise preserves the integrity of the reading frame.